The following is an entry in ClinVar:

ClinVar aggregate classification (germline): Likely pathogenic (1 of 4 stars; one submission).

Conditions:
3M syndrome 2. Also called: 3-M Syndrome, OBSL1-Related; THREE M SYNDROME 2. Identifiers: Orphanet 2616, MedGen C2752041, MONDO:0013039, OMIM 612921.

Submission:

Juno Genomics, Hangzhou Juno Genomics, Inc
Classification: Likely pathogenic for 3M syndrome 2. Review status: criteria provided, single submitter. Criteria: ACMG Guidelines, 2015. Collection method: clinical testing. Allele origin: germline.
Comment: Null variant in a gene where loss of function (LOF) is a known mechanism of disease.;Absent from controls (or at extremely low frequency if recessive) in Genome Aggregation Database.

NM_015311.3(OBSL1):c.1940G>A (p.Trp647Ter)

Gene: OBSL1 (obscurin like cytoskeletal adaptor 1; minus strand). Cytogenetic location: 2q35.
Variant type: single nucleotide variant.
Coding change: c.1940G>A on transcript NM_015311.3 (MANE Select); coding-DNA position 1940, G replaced by A.
Protein change: p.Trp647Ter; replaces tryptophan 647 with a stop codon.
Molecular consequence: nonsense.
Genome position (GRCh38, 1-based): chr2:219,567,024, C>T on the plus strand (G>A on the coding strand, the complement: OBSL1 is on the minus strand). VCF-style: chr2-219567024-C-T. GRCh37 (hg19) VCF-style: chr2-220431746-C-T.
Other names: c.1940G>A, p.Trp647Ter (NM_001173408.2, NM_001173431.2); short protein forms W647*.
Identifiers: ClinVar variation 5006229 (VCV005006229.2).